The following is an entry in ClinVar:

ClinVar aggregate classification (germline): Benign/Likely benign. Review status: criteria provided, multiple submitters, no conflicts (2 of 4 stars). 2 submissions from 2 submitters: Benign (1); Likely benign (1). Last evaluated 2023-02-01.

Allele frequency attached by ClinVar (database versions not stated): gnomAD exomes 0.00027; ExAC 0.00060; ESP Exome Variant Server 0.00078; gnomAD 0.00098 and 0.00103; 1000 Genomes Project 0.00100; TOPMed 0.00108; 1000 Genomes Project 30x 0.00141.
gnomAD v4.1: 299 of 1,581,248 alleles (0.019%); highest among the groups gnomAD compares: African/African-American, 0.32%; no homozygotes.

Submissions (2):

CeGaT Center for Human Genetics Tuebingen
Classification: Likely benign. Last evaluated: 2023-02-01. Review status: criteria provided, single submitter. Criteria: CeGaT Center For Human Genetics Tuebingen Variant Classification Criteria Version 2. Collection method: clinical testing. Allele origin: germline. Affected: yes. Observed: 1 variant allele.
Comment: DHX34: BP4, BP7

Labcorp Genetics (formerly Invitae), Labcorp
Classification: Benign. Last evaluated: 2019-12-31. Review status: criteria provided, single submitter. Criteria: Invitae Variant Classification Sherloc (09022015). Collection method: clinical testing. Allele origin: germline.

NM_014681.6(DHX34):c.2082C>T (p.His694=)

Gene: DHX34 (DExH-box helicase 34; plus strand). Cytogenetic location: 19q13.32.
Variant type: single nucleotide variant.
Coding change: c.2082C>T on transcript NM_014681.6 (MANE Select); coding-DNA position 2082, C replaced by T.
Protein change: p.His694=; no amino-acid change (histidine 694 retained).
Molecular consequence: synonymous variant.
Genome position (GRCh38, 1-based): chr19:47,375,483, C>T. VCF-style: chr19-47375483-C-T. GRCh37 (hg19) VCF-style: chr19-47878740-C-T.
Identifiers: ClinVar variation 729210 (VCV000729210.28), dbSNP rs112720936, ClinGen allele CA9538367.